The following is an entry in ClinVar:

NM_005120.3(MED12):c.4120-12C>T

Gene: MED12 (mediator complex subunit 12; plus strand). Cytogenetic location: Xq13.1.
Variant type: single nucleotide variant.
Coding change: c.4120-12C>T on transcript NM_005120.3 (MANE Select); 12 bases into the intron before coding-DNA position 4120, C replaced by T.
Molecular consequence: intron variant.
Genome position (GRCh38, 1-based): chrX:71,132,061, C>T. VCF-style: chrX-71132061-C-T. GRCh37 (hg19) VCF-style: chrX-70351911-C-T.
Identifiers: ClinVar variation 510099 (VCV000510099.1), dbSNP rs1556337617, ClinGen allele CA658799788.

ClinVar aggregate classification (germline): Likely benign (1 of 4 stars; one submission).

Submission:

GeneDx
Classification: Likely benign. Last evaluated: 2017-06-12. Review status: criteria provided, single submitter. Criteria: GeneDx Variant Classification (06012015). Collection method: clinical testing. Allele origin: germline. Affected: yes.
Comment: This variant is considered likely benign or benign based on one or more of the following criteria: it is a conservative change, it occurs at a poorly conserved position in the protein, it is predicted to be benign by multiple in silico algorithms, and/or has population frequency not consistent with disease.